The following is an entry in ClinVar:

NM_000059.4(BRCA2):c.2574A>C (p.Arg858Ser)

Gene: BRCA2 (BRCA2 DNA repair associated; plus strand). Cytogenetic location: 13q13.1.
Variant type: single nucleotide variant.
Coding change: c.2574A>C on transcript NM_000059.4 (MANE Select); coding-DNA position 2574, A replaced by C.
Protein change: p.Arg858Ser; replaces arginine 858 with serine.
Molecular consequence: missense variant.
Genome position (GRCh38, 1-based): chr13:32,336,929, A>C. VCF-style: chr13-32336929-A-C. GRCh37 (hg19) VCF-style: chr13-32911066-A-C.
Other names: short protein forms R858S.
Identifiers: ClinVar variation 654259 (VCV000654259.10), dbSNP rs1593897255, ClinGen allele CA387772574.

ClinVar aggregate classification (germline): Conflicting classifications of pathogenicity. Review status: criteria provided, conflicting classifications (1 of 4 stars). 2 submissions from 2 submitters: Uncertain significance (1); Likely benign (1). Last evaluated 2023-03-23.

Conditions:
Hereditary breast ovarian cancer syndrome. Also called: Breast and ovarian cancer; BRCA1- and BRCA2-Associated Hereditary Breast and Ovarian Cancer; Hereditary breast and ovarian cancer; Hereditary breast and/or ovarian cancer syndrome; Hereditary breast and ovarian cancer syndrome; Hereditary breast and ovarian cancer syndrome (HBOC). Identifiers: Orphanet 145, MedGen C0677776, MeSH D061325, MONDO:0003582. Disease mechanism: loss of function.
Hereditary cancer-predisposing syndrome. Also called: Neoplastic Syndromes, Hereditary; Tumor predisposition; Hereditary Cancer Syndrome; Hereditary neoplastic syndrome. Identifiers: Orphanet 140162, MedGen C0027672, MeSH D009386, MONDO:0015356.

Submissions (2):

University of Washington Department of Laboratory Medicine, University of Washington
Classification: Likely benign for Hereditary cancer-predisposing syndrome. Last evaluated: 2023-03-23. Review status: criteria provided, single submitter. Criteria: Dines et al. (Genet Med. 2020). Collection method: curation. Allele origin: germline.
Comment: Missense variant in a coldspot region where missense variants are very unlikely to be pathogenic (PMID:31911673).

BRCA2 exon 11 coldspot. Reclassification based on statistical prior probability.

Labcorp Genetics (formerly Invitae), Labcorp
Classification: Uncertain significance for Hereditary breast ovarian cancer syndrome. Last evaluated: 2018-07-12. Review status: criteria provided, single submitter. Criteria: Invitae Variant Classification Sherloc (09022015). Collection method: clinical testing. Allele origin: germline.
Comment: In summary, the available evidence is currently insufficient to determine the role of this variant in disease. Therefore, it has been classified as a Variant of Uncertain Significance. Algorithms developed to predict the effect of missense changes on protein structure and function (SIFT, PolyPhen-2, Align-GVGD) all suggest that this variant is likely to be tolerated, but these predictions have not been confirmed by published functional studies and their clinical significance is uncertain. This variant has not been reported in the literature in individuals with BRCA2-related disease. This variant is not present in population databases (ExAC no frequency). This sequence change replaces arginine with serine at codon 858 of the BRCA2 protein (p.Arg858Ser). The arginine residue is weakly conserved and there is a moderate physicochemical difference between arginine and serine.